The following is an entry in ClinVar:

NM_052947.4(ALPK2):c.6010G>T (p.Gly2004Cys)

Gene: ALPK2 (alpha kinase 2; minus strand). Cytogenetic location: 18q21.31.
Variant type: single nucleotide variant.
Coding change: c.6010G>T on transcript NM_052947.4 (MANE Select); coding-DNA position 6010, G replaced by T.
Protein change: p.Gly2004Cys; replaces glycine 2004 with cysteine.
Molecular consequence: missense variant.
Genome position (GRCh38, 1-based): chr18:58,515,012, C>A on the plus strand (G>T on the coding strand, the complement: ALPK2 is on the minus strand). VCF-style: chr18-58515012-C-A. GRCh37 (hg19) VCF-style: chr18-56182244-C-A.
Other names: short protein forms G2004C.
Identifiers: ClinVar variation 3531013 (VCV003531013.1).

ClinVar aggregate classification (germline): Uncertain significance (1 of 4 stars; one submission).

gnomAD v4.1: 7 of 1,612,880 alleles (0.00043%); highest among the groups gnomAD compares: Admixed American, 0.0017%; no homozygotes.

Submission:

Ambry Genetics
Classification: Uncertain significance. Last evaluated: 2024-08-02. Review status: criteria provided, single submitter. Criteria: Ambry Variant Classification Scheme 2023. Collection method: clinical testing. Allele origin: germline.
Comment: The p.G2004C variant (also known as c.6010G>T), located in coding exon 9 of the ALPK2 gene, results from a G to T substitution at nucleotide position 6010. The glycine at codon 2004 is replaced by cysteine, an amino acid with highly dissimilar properties. This amino acid position is conserved. In addition, this alteration is predicted to be tolerated by in silico analysis. Based on the available evidence, the clinical significance of this variant remains unclear.